The following is an entry in ClinVar:

ClinVar aggregate classification (germline): Likely pathogenic (1 of 4 stars; one submission).

Submission:

GeneDx
Classification: Likely pathogenic. Last evaluated: 2026-01-22. Review status: criteria provided, single submitter. Criteria: GeneDx Variant Classification Process June 2021. Collection method: clinical testing. Allele origin: germline.
Comment: Not observed at significant frequency in large population cohorts (gnomAD); In silico analysis supports that this missense variant has a deleterious effect on protein structure/function; This variant is associated with the following publications: (PMID: 40966122)

NM_012141.3(INTS6):c.616C>T (p.Arg206Cys)

Gene: INTS6 (integrator complex subunit 6; minus strand). Cytogenetic location: 13q14.3.
Variant type: single nucleotide variant.
Coding change: c.616C>T on transcript NM_012141.3 (MANE Select); coding-DNA position 616, C replaced by T.
Protein change: p.Arg206Cys; replaces arginine 206 with cysteine.
Molecular consequence: missense variant.
Genome position (GRCh38, 1-based): chr13:51,389,442, G>A on the plus strand (C>T on the coding strand, the complement: INTS6 is on the minus strand). VCF-style: chr13-51389442-G-A. GRCh37 (hg19) VCF-style: chr13-51963578-G-A.
Other names: c.577C>T, p.Arg193Cys (NM_001039937.2); c.82C>T, p.Arg28Cys (NM_001306091.2); short protein forms R193C, R206C, R28C.
Identifiers: ClinVar variation 4529709 (VCV004529709.2).